The following is an entry in ClinVar:

NM_020361.5(CPA6):c.581G>A (p.Gly194Asp)

Gene: CPA6 (carboxypeptidase A6; minus strand). Cytogenetic location: 8q13.2.
Variant type: single nucleotide variant.
Coding change: c.581G>A on transcript NM_020361.5 (MANE Select); coding-DNA position 581, G replaced by A.
Protein change: p.Gly194Asp; replaces glycine 194 with aspartic acid.
Molecular consequence: missense variant.
Genome position (GRCh38, 1-based): chr8:67,506,842, C>T on the plus strand (G>A on the coding strand, the complement: CPA6 is on the minus strand). VCF-style: chr8-67506842-C-T. GRCh37 (hg19) VCF-style: chr8-68419077-C-T.
Other names: short protein forms G194D.
Identifiers: ClinVar variation 286614 (VCV000286614.19), dbSNP rs201589247, ClinGen allele CA4772927.

ClinVar aggregate classification (germline): Uncertain significance. Review status: criteria provided, multiple submitters, no conflicts (2 of 4 stars). 4 submissions from 4 submitters: Uncertain significance (4). Last evaluated 2024-09-13.

Conditions:
Febrile seizures, familial, 11 (FEB11). Also called: CONVULSIONS, FAMILIAL FEBRILE, 11. Identifiers: MedGen C3280734, MONDO:0024566, OMIM 614418.
Familial temporal lobe epilepsy 5. Identifiers: MedGen C3280730, MONDO:0013741, OMIM 614417.

Allele frequency attached by ClinVar (database versions not stated): ESP Exome Variant Server 0.00008; TOPMed 0.00009; gnomAD 0.00010; gnomAD exomes 0.00012; ExAC 0.00013.
gnomAD v4.1: 199 of 1,613,538 alleles (0.012%); highest among the groups gnomAD compares: Non-Finnish European, 0.016%; no homozygotes.

Submissions (4):

Blueprint Genetics
Classification: Uncertain significance. Last evaluated: 2024-09-13. Review status: criteria provided, single submitter. Criteria: ACMG Guidelines, 2015. Collection method: clinical testing. Allele origin: germline.

Labcorp Genetics (formerly Invitae), Labcorp
Classification: Uncertain significance for Febrile seizures, familial, 11. Last evaluated: 2020-11-06. Review status: criteria provided, single submitter. Criteria: Invitae Variant Classification Sherloc (09022015). Collection method: clinical testing. Allele origin: germline.
Comment: This sequence change replaces glycine with aspartic acid at codon 194 of the CPA6 protein (p.Gly194Asp). The glycine residue is highly conserved and there is a moderate physicochemical difference between glycine and aspartic acid. This variant is present in population databases (rs201589247, ExAC 0.02%), and has an allele count higher than expected for a pathogenic variant (PMID: 28166811). This variant has not been reported in the literature in individuals with CPA6-related conditions. ClinVar contains an entry for this variant (Variation ID: 286614). Algorithms developed to predict the effect of missense changes on protein structure and function (SIFT, PolyPhen-2, Align-GVGD) all suggest that this variant is likely to be disruptive, but these predictions have not been confirmed by published functional studies and their clinical significance is uncertain. In summary, the available evidence is currently insufficient to determine the role of this variant in disease. Therefore, it has been classified as a Variant of Uncertain Significance.

Illumina Laboratory Services, Illumina
Classification: Uncertain significance for Familial temporal lobe epilepsy 5. Last evaluated: 2018-01-13. Review status: criteria provided, single submitter. Criteria: ICSL Variant Classification Criteria 13 December 2019. Collection method: clinical testing. Allele origin: germline.

Eurofins Ntd Llc (ga)
Classification: Uncertain significance. Last evaluated: 2016-03-24. Review status: criteria provided, single submitter. Criteria: EGL Classification Definitions 2015. Collection method: clinical testing. Allele origin: germline. Observed: 1 variant allele, 1 heterozygote.

Literature cited by the submitters: PubMed 28166811 (cited by Labcorp Genetics (formerly Invitae), Labcorp).